The following is an entry in ClinVar:

NM_000135.4(FANCA):c.2982-1G>C

Gene: FANCA (FA complementation group A; minus strand). Cytogenetic location: 16q24.3.
Variant type: single nucleotide variant.
Coding change: c.2982-1G>C on transcript NM_000135.4 (MANE Select); the canonical splice acceptor site of the intron before coding-DNA position 2982, G replaced by C.
Molecular consequence: splice acceptor variant.
Genome position (GRCh38, 1-based): chr16:89,752,223, C>G on the plus strand (G>C on the coding strand, the complement: FANCA is on the minus strand). VCF-style: chr16-89752223-C-G. GRCh37 (hg19) VCF-style: chr16-89818631-C-G.
Other names: c.2982-1G>C (NM_001286167.3).
Identifiers: ClinVar variation 554136 (VCV000554136.11), dbSNP rs1555540076, ClinGen allele CA397427604.

ClinVar aggregate classification (germline): Likely pathogenic. Review status: criteria provided, multiple submitters, no conflicts (2 of 4 stars). 4 submissions from 4 submitters: Likely pathogenic (3). 1 of the submissions does not count toward it. Last evaluated 2023-12-25.

Conditions:
Fanconi anemia complementation group A (FANCA). Also called: FANCA-Related Fanconi Anemia; Fanconi anemia, group A. Identifiers: Orphanet 84, MedGen C3469521, MONDO:0009215, OMIM 227650.
Fanconi anemia (FA). Also called: Fanconi's anemia. Identifiers: Orphanet 84, MedGen C0015625, MeSH D005199, MONDO:0019391.

Allele frequency attached by ClinVar (database versions not stated): gnomAD exomes 0.00001.
gnomAD v4.1: 10 of 1,612,800 alleles (0.00062%); highest among the groups gnomAD compares: Non-Finnish European, 0.00085%; no homozygotes.

Submissions (4):

Labcorp Genetics (formerly Invitae), Labcorp
Classification: Likely pathogenic for Fanconi anemia. Last evaluated: 2023-12-25. Review status: criteria provided, single submitter. Criteria: Invitae Variant Classification Sherloc (09022015). Collection method: clinical testing. Allele origin: germline.
Comment: This sequence change affects an acceptor splice site in intron 30 of the FANCA gene. It is expected to disrupt RNA splicing. Variants that disrupt the donor or acceptor splice site typically lead to a loss of protein function (PMID: 16199547), and loss-of-function variants in FANCA are known to be pathogenic (PMID: 19367192). This variant is not present in population databases (gnomAD no frequency). This variant has not been reported in the literature in individuals affected with FANCA-related conditions. ClinVar contains an entry for this variant (Variation ID: 554136). Algorithms developed to predict the effect of sequence changes on RNA splicing suggest that this variant may disrupt the consensus splice site. In summary, the currently available evidence indicates that the variant is pathogenic, but additional data are needed to prove that conclusively. Therefore, this variant has been classified as Likely Pathogenic.

Baylor Genetics
Classification: Likely pathogenic for Fanconi anemia complementation group A. Last evaluated: 2023-07-28. Review status: criteria provided, single submitter. Criteria: ACMG Guidelines, 2015. Collection method: clinical testing. Allele origin: unknown.

Neuberg Centre For Genomic Medicine, NCGM
Classification: Likely pathogenic for Fanconi anemia complementation group A. Review status: criteria provided, single submitter. Criteria: ACMG Guidelines, 2015. Collection method: clinical testing. Allele origin: germline. Inheritance: Autosomal recessive inheritance. Affected: yes.
Comment: This sequence change affects an acceptor splice site in intron 30 of the FANCA gene. It is expected to disrupt RNA splicing and likely results in an absent or disrupted protein product. This variant has not been reported in the literature in individuals with FANCA-related disease. Donor and acceptor splice site variants typically lead to a loss of protein function (Baralle, D et al), and loss-of-function variants in FANCA are known to be pathogenic (Moghrabi NN et al). This variant has been reported to the ClinVar database as Likely pathogenic. The variant is novel (not in any individuals) in gnomAD and in 1000 Genomes. The nucleotide change in FANCA is predicted as conserved by GERP++ and PhyloP across 100 vertebrates. For these reasons, this variant has been classified as Likely Pathogenic.

Counsyl
Classification: Likely pathogenic for Fanconi anemia complementation group A. Last evaluated: 2017-09-26. Review status: no assertion criteria provided. Collection method: clinical testing. Allele origin: unknown. Not counted in ClinVar's aggregate classification.

Literature cited by the submitters: PubMed 16199547 (cited by Labcorp Genetics (formerly Invitae), Labcorp); PubMed 19367192 (cited by Labcorp Genetics (formerly Invitae), Labcorp).